The following is an entry in ClinVar:

NM_001145860.2(POP1):c.2091G>A (p.Lys697=)

Gene: POP1 (POP1 ribonuclease P/MRP subunit; plus strand). Cytogenetic location: 8q22.2.
Variant type: single nucleotide variant.
Coding change: c.2091G>A on transcript NM_001145860.2 (MANE Select); coding-DNA position 2091, G replaced by A.
Protein change: p.Lys697=; no amino-acid change (lysine 697 retained).
Molecular consequence: synonymous variant.
Genome position (GRCh38, 1-based): chr8:98,156,083, G>A. VCF-style: chr8-98156083-G-A. GRCh37 (hg19) VCF-style: chr8-99168311-G-A.
Other names: c.2091G>A, p.Lys697= (NM_001145861.2, NM_015029.3).
Identifiers: ClinVar variation 1600866 (VCV001600866.12), dbSNP rs200715007, ClinGen allele CA4820779.
Genomic context (GRCh38, chr8:98,156,083, plus strand): 5'-TTGGTTCTCCTGTATGTTTTTCTTTAGACGCCCTCCTGCAAAACGGCCCAACTACGTTAA[G>A]CTTGGCACTCTGGCACCTTTCTGCTGTCCCTGGGAGCAGTTAACTCAAGACTGGGAGTCA-3'
Protein context (NP_001139332.1, residues 687-707): RPPAKRPNYV[Lys697=]LGTLAPFCCP

ClinVar aggregate classification (germline): Benign/Likely benign. Review status: criteria provided, multiple submitters, no conflicts (2 of 4 stars). 2 submissions from 2 submitters: Benign (1); Likely benign (1). Last evaluated 2025-12-01.

Allele frequency attached by ClinVar (database versions not stated): gnomAD 0.00004 and 0.00005; gnomAD exomes 0.00006 and 0.00027; TOPMed 0.00016; 1000 Genomes Project 0.00020; ExAC 0.00025; 1000 Genomes Project 30x 0.00031.
gnomAD v4.1: 87 of 1,614,032 alleles (0.0054%); highest among the groups gnomAD compares: Admixed American, 0.14%; no homozygotes.

Submissions (2):

CeGaT Center for Human Genetics Tuebingen
Classification: Likely benign. Last evaluated: 2025-12-01. Review status: criteria provided, single submitter. Criteria: CeGaT Center For Human Genetics Tuebingen Variant Classification Criteria Version 2. Collection method: clinical testing. Allele origin: germline. Affected: yes. Observed: 1 variant allele.
Comment: POP1: BP4, BP7

Labcorp Genetics (formerly Invitae), Labcorp
Classification: Benign. Last evaluated: 2025-11-23. Review status: criteria provided, single submitter. Criteria: Invitae Variant Classification Sherloc (09022015). Collection method: clinical testing. Allele origin: germline.